The following is an entry in ClinVar:

NM_001164508.2(NEB):c.9072G>A (p.Ala3024=)

Gene: NEB (nebulin; minus strand). Cytogenetic location: 2q23.3.
Variant type: single nucleotide variant.
Coding change: c.9072G>A on transcript NM_001164508.2 (MANE Select); coding-DNA position 9072, G replaced by A.
Protein change: p.Ala3024=; no amino-acid change (alanine 3024 retained).
Molecular consequence: synonymous variant. On other transcripts: intron variant (1).
Genome position (GRCh38, 1-based): chr2:151,636,257, C>T on the plus strand (G>A on the coding strand, the complement: NEB is on the minus strand). VCF-style: chr2-151636257-C-T. GRCh37 (hg19) VCF-style: chr2-152492771-C-T.
Other names: c.9072G>A, p.Ala3024= (NM_001164507.2, NM_001271208.2); c.8853+3636G>A (NM_004543.5).
Identifiers: ClinVar variation 257837 (VCV000257837.48), dbSNP rs369897667, ClinGen allele CA1909421.

ClinVar aggregate classification (germline): Benign/Likely benign. Review status: criteria provided, multiple submitters, no conflicts (2 of 4 stars). 5 submissions from 5 submitters: Benign (3); Likely benign (1). 1 of the submissions does not count toward it. Last evaluated 2026-09-01.

Conditions:
Nemaline myopathy 2 (NEM2). Also called: Nemaline myopathy 2, autosomal recessive. Identifiers: MedGen C1850569, MONDO:0009725, OMIM 256030.

Allele frequency attached by ClinVar (database versions not stated): 1000 Genomes Project 30x 0.00109; 1000 Genomes Project 0.00120; gnomAD 0.00125 and 0.00133; TOPMed 0.00162; gnomAD exomes 0.00185 and 0.00245; ESP Exome Variant Server 0.00197; ExAC 0.00258.
gnomAD v4.1: 2,909 of 1,610,126 alleles (0.18%); highest among the groups gnomAD compares: South Asian, 0.38%; 9 homozygotes.

Submissions (5):

CeGaT Center for Human Genetics Tuebingen
Classification: Likely benign. Last evaluated: 2026-09-01. Review status: criteria provided, single submitter. Criteria: CeGaT Center For Human Genetics Tuebingen Variant Classification Criteria Version 2. Collection method: clinical testing. Allele origin: germline. Affected: yes. Observed: 16 variant alleles.
Comment: NEB: BP4, BP7

Labcorp Genetics (formerly Invitae), Labcorp
Classification: Benign for Nemaline myopathy 2. Last evaluated: 2026-01-28. Review status: criteria provided, single submitter. Criteria: Invitae Variant Classification Sherloc (09022015). Collection method: clinical testing. Allele origin: germline.

GeneDx
Classification: Benign. Last evaluated: 2018-03-16. Review status: criteria provided, single submitter. Criteria: GeneDx Variant Classification Process June 2021. Collection method: clinical testing. Allele origin: germline. Affected: yes.

PreventionGenetics, part of Exact Sciences
Classification: Benign. Review status: criteria provided, single submitter. Criteria: ACMG Guidelines, 2015. Collection method: clinical testing. Allele origin: germline.

Natera, Inc.
Classification: Benign for Nemaline myopathy type 2. Last evaluated: 2019-12-05. Review status: no assertion criteria provided. Collection method: clinical testing. Allele origin: germline. Not counted in ClinVar's aggregate classification.